The following is an entry in ClinVar:

NM_001080467.3(MYO5B):c.4338_4341del (p.Ser1446fs)

Genes: MYO5B (myosin VB; minus strand), SNHG22 (small nucleolar RNA host gene 22; plus strand). Cytogenetic location: 18q21.1.
Variant type: Deletion.
Coding change: c.4338_4341del on transcript NM_001080467.3 (MANE Select); coding-DNA positions 4338 to 4341, 4 bases deleted (TGAG; older notation c.4338_4341delTGAG).
Protein change: p.Ser1446fs; shifts the reading frame from serine 1446.
Molecular consequence: frameshift variant.
Genome position (GRCh38, 1-based): chr18:49,847,264-49,847,267, CTCA deleted on the plus strand (TGAG on the coding strand, the reverse complement: MYO5B is on the minus strand); deleting any 4 consecutive bases within chr18:49,847,264-49,847,270 gives the same sequence; the c. name uses the placement nearest the transcript's 3' end. VCF-style (leftmost placement, unchanged base first): chr18-49847263-TCTCA-T. GRCh37 (hg19) VCF-style: chr18-47373633-TCTCA-T.
Other names: short protein forms S1446fs.
Identifiers: ClinVar variation 2797920 (VCV002797920.3), dbSNP rs2511241115, ClinGen allele CA2576503084.

ClinVar aggregate classification (germline): Pathogenic (1 of 4 stars; one submission).

Submission:

Labcorp Genetics (formerly Invitae), Labcorp
Classification: Pathogenic. Last evaluated: 2023-12-12. Review status: criteria provided, single submitter. Criteria: Invitae Variant Classification Sherloc (09022015). Collection method: clinical testing. Allele origin: germline.
Comment: This sequence change creates a premature translational stop signal (p.Ser1446Argfs*39) in the MYO5B gene. It is expected to result in an absent or disrupted protein product. Loss-of-function variants in MYO5B are known to be pathogenic (PMID: 18724368, 20186687). This variant is not present in population databases (gnomAD no frequency). This variant has not been reported in the literature in individuals affected with MYO5B-related conditions. For these reasons, this variant has been classified as Pathogenic.

Literature cited by the submitters: PubMed 18724368; PubMed 20186687.